The following is an entry in ClinVar:

ClinVar aggregate classification (germline): Likely pathogenic (1 of 4 stars; one submission).

Conditions:
Usher syndrome type 2C. Also called: USHER SYNDROME, TYPE IIC; Usher syndrome, type 2B. Identifiers: Orphanet 231178, Orphanet 886, MedGen C2931213, MONDO:0011558, OMIM 605472.

Submission:

King Laboratory, University of Washington
Classification: Likely pathogenic for Usher syndrome type 2C. Last evaluated: 2020-08-01. Review status: criteria provided, single submitter. Criteria: Abu Rayyan A et al. (Proc Natl Acad Sci U S A 2020). Collection method: research. Allele origin: germline. Affected: yes.
Comment: ADGRV1 c.14315C>A, p.S4772* is homozygous in 2 Palestinian children with moderate to severe hearing loss. The variant was heterozygous in 2 of 1300 Palestinian controls and absent from public databases.

NM_032119.4(ADGRV1):c.14315C>A (p.Ser4772Ter)

Gene: ADGRV1 (adhesion G protein-coupled receptor V1; plus strand). Cytogenetic location: 5q14.3.
Variant type: single nucleotide variant.
Coding change: c.14315C>A on transcript NM_032119.4 (MANE Select); coding-DNA position 14315, C replaced by A.
Protein change: p.Ser4772Ter; replaces serine 4772 with a stop codon.
Molecular consequence: nonsense. On other transcripts: non-coding transcript variant (1).
Genome position (GRCh38, 1-based): chr5:90,791,144, C>A. VCF-style: chr5-90791144-C-A. GRCh37 (hg19) VCF-style: chr5-90086961-C-A.
Other names: NM_032119.3:c.14315C>A, p.(Ser4772*); short protein forms S4772*.
Identifiers: ClinVar variation 1299313 (VCV001299313.2), dbSNP rs1561740143, ClinGen allele CA360401450.
Genomic context (GRCh38, chr5:90,791,144, plus strand): 5'-TCTCTGTTTATGCAAATGATGACCCACATGGAGTATTTGCCCTGTATTCGGATCGCCAGT[C>A]AATACTTATTGGGCAGAACCTTATTAGATCCATCCAAATTAACATAACCCGGCTTGCTGG-3'